The following is an entry in ClinVar:

ClinVar aggregate classification (germline): Uncertain significance (0 of 4 stars; one submission).

Conditions:
Prostate cancer. Also called: Malignant tumor of prostate. Identifiers: Orphanet 1331, MedGen C0376358, MONDO:0008315, HP:0012125.

Submission:

Science for Life laboratory,  Karolinska Institutet
Classification: Uncertain significance for Malignant tumor of prostate. Review status: no assertion criteria provided. Collection method: not provided. Allele origin: somatic.
Comment: TumorID:SWE-13
ClinVar note: Converted during submission from Unknown to Uncertain significance.

NM_001375524.1(TRRAP):c.8474A>G (p.Gln2825Arg)

Gene: TRRAP (transformation/transcription domain associated protein; plus strand). Cytogenetic location: 7q22.1.
Variant type: single nucleotide variant.
Coding change: c.8474A>G on transcript NM_001375524.1 (MANE Select); coding-DNA position 8474, A replaced by G.
Protein change: p.Gln2825Arg; replaces glutamine 2825 with arginine.
Molecular consequence: missense variant.
Genome position (GRCh38, 1-based): chr7:98,978,299, A>G. VCF-style: chr7-98978299-A-G. GRCh37 (hg19) VCF-style: chr7-98575922-A-G.
Other names: c.8453A>G, p.Gln2818Arg (NM_001244580.2); c.8399A>G, p.Gln2800Arg (NM_003496.4); short protein forms Q2800R, Q2818R, Q2825R.
Identifiers: ClinVar variation 161616 (VCV000161616.2), dbSNP rs193920828, ClinGen allele CA174458.